The following is an entry in ClinVar:

NM_032776.3(JMJD1C):c.1454T>C (p.Met485Thr)

Gene: JMJD1C (jumonji domain containing 1C; minus strand). Cytogenetic location: 10q21.3.
Variant type: single nucleotide variant.
Coding change: c.1454T>C on transcript NM_032776.3 (MANE Select); coding-DNA position 1454, T replaced by C.
Protein change: p.Met485Thr; replaces methionine 485 with threonine.
Molecular consequence: missense variant. On other transcripts: non-coding transcript variant (1).
Genome position (GRCh38, 1-based): chr10:63,214,713, A>G on the plus strand (T>C on the coding strand, the complement: JMJD1C is on the minus strand). VCF-style: chr10-63214713-A-G. GRCh37 (hg19) VCF-style: chr10-64974473-A-G.
Other names: c.908T>C, p.Met303Thr (NM_001282948.2, NM_001318154.2); c.590T>C, p.Met197Thr (NM_001318153.2); c.1340T>C, p.Met447Thr (NM_001322252.2); c.797T>C, p.Met266Thr (NM_001322254.2, NM_001322258.2); short protein forms M266T, M447T, M197T, M303T, M485T.
Identifiers: ClinVar variation 2740706 (VCV002740706.3), dbSNP rs747081047, ClinGen allele CA5518801.

ClinVar aggregate classification (germline): Uncertain significance (1 of 4 stars; one submission).

Conditions:
Early Myoclonic Encephalopathy. Identifiers: MedGen C0270855.

Allele frequency attached by ClinVar (database versions not stated): TOPMed below 0.00001; gnomAD 0.00001.
gnomAD v4.1: 16 of 1,613,896 alleles (0.00099%); highest among the groups gnomAD compares: Admixed American, 0.0033%; no homozygotes.

Submission:

Labcorp Genetics (formerly Invitae), Labcorp
Classification: Uncertain significance for Early Myoclonic Encephalopathy. Last evaluated: 2023-03-08. Review status: criteria provided, single submitter. Criteria: Invitae Variant Classification Sherloc (09022015). Collection method: clinical testing. Allele origin: germline.
Comment: This sequence change replaces methionine, which is neutral and non-polar, with threonine, which is neutral and polar, at codon 485 of the JMJD1C protein (p.Met485Thr). In summary, the available evidence is currently insufficient to determine the role of this variant in disease. Therefore, it has been classified as a Variant of Uncertain Significance. Advanced modeling of protein sequence and biophysical properties (such as structural, functional, and spatial information, amino acid conservation, physicochemical variation, residue mobility, and thermodynamic stability) performed at Invitae indicates that this missense variant is not expected to disrupt JMJD1C protein function. This variant has not been reported in the literature in individuals affected with JMJD1C-related conditions. This variant is present in population databases (rs747081047, gnomAD 0.003%).